The following is an entry in ClinVar:

NM_152419.2(HGSNAT):c.-115_-101dupTCAGGCGGCGGTGAC

Genes: HGSNAT (heparan-alpha-glucosaminide N-acetyltransferase; plus strand), LOC130000316 (ATAC-STARR-seq lymphoblastoid silent region 19164; plus strand). Cytogenetic location: 8p11.21.
Variant type: Duplication.
Coding change: c.-115_-101dupTCAGGCGGCGGTGAC on transcript NM_152419.2; 115 bases upstream of the start codon through 101 bases upstream of the start codon, 15 bases duplicated (TCAGGCGGCGGTGAC).
Genome position (GRCh38, 1-based): chr8:43,140,382-43,140,396, TCAGGCGGCGGTGAC duplicated; duplicating any 15 consecutive bases within chr8:43,140,374-43,140,396 gives the same sequence; the c. name uses the placement nearest the transcript's 3' end. VCF-style (leftmost placement, unchanged base first): chr8-43140373-C-CGCGGTGACTCAGGCG. GRCh37 (hg19) VCF-style: chr8-42995516-C-CGCGGTGACTCAGGCG.
Identifiers: ClinVar variation 496550 (VCV000496550.4), dbSNP rs534597242, ClinGen allele CA176095707.

ClinVar aggregate classification (germline): Uncertain significance (1 of 4 stars; one submission).

Submission:

Women's Health and Genetics/Laboratory Corporation of America, LabCorp
Classification: Uncertain significance. Last evaluated: 2018-04-30. Review status: criteria provided, single submitter. Criteria: LabCorp Variant Classification Summary - May 2015. Collection method: clinical testing. Allele origin: germline.
Comment: Variant summary: HGSNAT c.-115_-101dup15 is located in the untranscribed region upstream of the HGSNAT gene. The variant allele was found at a frequency of 0.002 in 30350 control chromosomes (gnomAD). The observed variant frequency is approximately 2 fold of the estimated maximal expected allele frequency for a pathogenic variant in HGSNAT causing Mucopolysaccharidosis Type IIIC (Sanfilippo Syndrome C) phenotype (0.001), suggesting that the variant might be benign. To our knowledge, no occurrence of c.-115_-101dup15 in individuals affected with Mucopolysaccharidosis Type IIIC (Sanfilippo Syndrome C) and no experimental evidence demonstrating its impact on protein function have been reported. HGSNAT transcription is driven by a TATA-less promoter whose key elements are contained within the 1054 bp region upstream of exon 1. Richtrova_2016 showed that "reduced reporter activities from promoter serial deletion constructs suggested strong regulatory elements at positions 101 to 20 bp and 1073 to 716 bp of the downstream initiation codon (DS-ATG)". Targeted mutagenesis of the first specificity protein 1-A (Sp1-A), located at -96 to -85 positions led to a 55% decrease of reporter activity. Thus, this confirms that Sp1 is important for regulation of the HGSNAT gene. This variant is located in close proximity to the Sp1-A binding site, thus it may interfere transcription. To our knowledge, no experimental evidence demonstrating an impact on protein function has been reported. No other clinical diagnostic laboratory has submitted clinical-significance assessments for this variant to ClinVar after 2014. Based on the evidence outlined above, the variant was classified as VUS-possibly benign until more information becomes available.